The following is an entry in ClinVar:

NM_005996.4(TBX3):c.223G>A (p.Gly75Ser)

Genes: TBX3 (T-box transcription factor 3; minus strand), TBX3-AS1 (TBX3 antisense RNA 1; plus strand). Cytogenetic location: 12q24.21.
Variant type: single nucleotide variant.
Coding change: c.223G>A on transcript NM_005996.4 (MANE Select); coding-DNA position 223, G replaced by A.
Protein change: p.Gly75Ser; replaces glycine 75 with serine.
Molecular consequence: missense variant.
Genome position (GRCh38, 1-based): chr12:114,682,978, C>T on the plus strand (G>A on the coding strand, the complement: TBX3 is on the minus strand). VCF-style: chr12-114682978-C-T. GRCh37 (hg19) VCF-style: chr12-115120783-C-T.
Other names: c.223G>A, p.Gly75Ser (NM_016569.4); short protein forms G75S.
Identifiers: ClinVar variation 4989343 (VCV004989343.1).

ClinVar aggregate classification (germline): Uncertain significance (1 of 4 stars; one submission).

Conditions:
TBX3-related disorder. Also called: TBX3-related condition.

gnomAD v4.1: 1 of 1,613,978 alleles (0.000062%); highest among the groups gnomAD compares: African/African-American, 0.0013%; no homozygotes.

Submission:

PreventionGenetics, part of Exact Sciences
Classification: Uncertain significance for TBX3-related condition. Last evaluated: 2025-07-14. Review status: criteria provided, single submitter. Criteria: ACMG Guidelines, 2015. Collection method: clinical testing. Allele origin: germline.
Comment: The TBX3 c.223G>A variant is predicted to result in the amino acid substitution p.Gly75Ser. To our knowledge, this variant has not been reported in the literature or in a large population database (gnomAD), indicating this variant is rare. At this time, the clinical significance of this variant is uncertain due to the absence of conclusive functional and genetic evidence.